The following is an entry in ClinVar:

ClinVar aggregate classification (germline): Uncertain significance (1 of 4 stars; one submission).

Conditions:
Deafness-lymphedema-leukemia syndrome. Also called: Emberger syndrome; Lymphedema, primary, with myelodysplasia. Identifiers: Orphanet 3226, MedGen C3279664, MONDO:0013540, OMIM 614038.
Monocytopenia with susceptibility to infections. Also called: IMMUNODEFICIENCY 21; GATA2 DEFICIENCY; MONOCYTOPENIA AND MYCOBACTERIAL INFECTION SYNDROME; MONOCYTOPENIA WITH SUSCEPTIBILITY TO MYCOBACTERIAL, FUNGAL, AND PAPILLOMAVIRUS INFECTIONS AND MYELODYSPLASIA; COMBINED IMMUNODEFICIENCY WITH SUSCEPTIBILITY TO MYCOBACTERIAL, VIRAL, AND FUNGAL INFECTIONS; Dendritic cell, monocyte, B lymphocyte, and natural killer lymphocyte deficiency. Identifiers: Orphanet 228423, MedGen C3280030, MONDO:0013607, OMIM 614172.

Submission:

Labcorp Genetics (formerly Invitae), Labcorp
Classification: Uncertain significance for Monocytopenia with susceptibility to infections; Deafness-lymphedema-leukemia syndrome. Last evaluated: 2021-10-08. Review status: criteria provided, single submitter. Criteria: Invitae Variant Classification Sherloc (09022015). Collection method: clinical testing. Allele origin: germline.
Comment: Advanced modeling of protein sequence and biophysical properties (such as structural, functional, and spatial information, amino acid conservation, physicochemical variation, residue mobility, and thermodynamic stability) performed at Invitae indicates that this missense variant is not expected to disrupt GATA2 protein function. In summary, the available evidence is currently insufficient to determine the role of this variant in disease. Therefore, it has been classified as a Variant of Uncertain Significance. This variant has not been reported in the literature in individuals affected with GATA2-related conditions. This variant is not present in population databases (ExAC no frequency). This sequence change replaces methionine with isoleucine at codon 221 of the GATA2 protein (p.Met221Ile). The methionine residue is moderately conserved and there is a small physicochemical difference between methionine and isoleucine.

NM_032638.5(GATA2):c.663G>A (p.Met221Ile)

Gene: GATA2 (GATA binding protein 2; minus strand). Cytogenetic location: 3q21.3.
Variant type: single nucleotide variant.
Coding change: c.663G>A on transcript NM_032638.5 (MANE Select); coding-DNA position 663, G replaced by A.
Protein change: p.Met221Ile; replaces methionine 221 with isoleucine.
Molecular consequence: missense variant.
Genome position (GRCh38, 1-based): chr3:128,485,935, C>T on the plus strand (G>A on the coding strand, the complement: GATA2 is on the minus strand). VCF-style: chr3-128485935-C-T. GRCh37 (hg19) VCF-style: chr3-128204778-C-T.
Other names: c.663G>A, p.Met221Ile (NM_001145661.2, NM_001145662.1); short protein forms M221I.
Identifiers: ClinVar variation 1479739 (VCV001479739.6), dbSNP rs2107672193, ClinGen allele CA354406301.